The following is an entry in ClinVar:

NM_002500.5(NEUROD1):c.644C>T (p.Pro215Leu)

Gene: NEUROD1 (neuronal differentiation 1; minus strand). Cytogenetic location: 2q31.3.
Variant type: single nucleotide variant.
Coding change: c.644C>T on transcript NM_002500.5 (MANE Select); coding-DNA position 644, C replaced by T.
Protein change: p.Pro215Leu; replaces proline 215 with leucine.
Molecular consequence: missense variant.
Genome position (GRCh38, 1-based): chr2:181,678,217, G>A on the plus strand (C>T on the coding strand, the complement: NEUROD1 is on the minus strand). VCF-style: chr2-181678217-G-A. GRCh37 (hg19) VCF-style: chr2-182542944-G-A.
Other names: short protein forms P215L.
Identifiers: ClinVar variation 1981156 (VCV001981156.5), dbSNP rs748334227, ClinGen allele CA2011092.

ClinVar aggregate classification (germline): Uncertain significance. Review status: criteria provided, multiple submitters, no conflicts (2 of 4 stars). 2 submissions from 2 submitters: Uncertain significance (2). Last evaluated 2024-05-08.

Allele frequency attached by ClinVar (database versions not stated): gnomAD exomes below 0.00001; ExAC 0.00001; gnomAD 0.00002; TOPMed 0.00002.
gnomAD v4.1: 11 of 1,614,190 alleles (0.00068%); highest among the groups gnomAD compares: African/African-American, 0.0067%; no homozygotes.

Submissions (2):

Blueprint Genetics
Classification: Uncertain significance. Last evaluated: 2024-05-08. Review status: criteria provided, single submitter. Criteria: ACMG Guidelines, 2015. Collection method: clinical testing. Allele origin: germline.

Labcorp Genetics (formerly Invitae), Labcorp
Classification: Uncertain significance. Last evaluated: 2023-07-26. Review status: criteria provided, single submitter. Criteria: Invitae Variant Classification Sherloc (09022015). Collection method: clinical testing. Allele origin: germline.
Comment: In summary, the available evidence is currently insufficient to determine the role of this variant in disease. Therefore, it has been classified as a Variant of Uncertain Significance. Advanced modeling of protein sequence and biophysical properties (such as structural, functional, and spatial information, amino acid conservation, physicochemical variation, residue mobility, and thermodynamic stability) performed at Invitae indicates that this missense variant is not expected to disrupt NEUROD1 protein function. ClinVar contains an entry for this variant (Variation ID: 1981156). This variant has not been reported in the literature in individuals affected with NEUROD1-related conditions. This variant is present in population databases (rs748334227, gnomAD 0.004%). This sequence change replaces proline, which is neutral and non-polar, with leucine, which is neutral and non-polar, at codon 215 of the NEUROD1 protein (p.Pro215Leu).